The following is an entry in ClinVar:

NM_021076.4(NEFH):c.379_386dup (p.Ala131fs)

Gene: NEFH (neurofilament heavy chain; plus strand). Cytogenetic location: 22q12.2.
Variant type: Duplication.
Coding change: c.379_386dup on transcript NM_021076.4 (MANE Select); coding-DNA positions 379 to 386, 8 bases duplicated (GGCGAGGC; older notation c.379_386dupGGCGAGGC).
Protein change: p.Ala131fs; shifts the reading frame from alanine 131.
Molecular consequence: frameshift variant.
Genome position (GRCh38, 1-based): chr22:29,480,641-29,480,648, GGCGAGGC duplicated. VCF-style (leftmost placement, unchanged base first): chr22-29480640-G-GGGCGAGGC. GRCh37 (hg19) VCF-style: chr22-29876629-G-GGGCGAGGC.
Other names: short protein forms A131fs.
Identifiers: ClinVar variation 2995648 (VCV002995648.3), dbSNP rs1474144312, ClinGen allele CA752281752.

ClinVar aggregate classification (germline): Uncertain significance (1 of 4 stars; one submission).

Allele frequency attached by ClinVar (database versions not stated): gnomAD exomes below 0.00001; gnomAD 0.00001; TOPMed 0.00001.

Submission:

Labcorp Genetics (formerly Invitae), Labcorp
Classification: Uncertain significance. Last evaluated: 2023-05-27. Review status: criteria provided, single submitter. Criteria: Invitae Variant Classification Sherloc (09022015). Collection method: clinical testing. Allele origin: germline.
Comment: In summary, the available evidence is currently insufficient to determine the role of this variant in disease. Therefore, it has been classified as a Variant of Uncertain Significance. Experimental studies and prediction algorithms are not available or were not evaluated, and the functional significance of this variant is currently unknown. This variant has not been reported in the literature in individuals affected with NEFH-related conditions. This variant is not present in population databases (gnomAD no frequency). This sequence change creates a premature translational stop signal (p.Ala131Argfs*58) in the NEFH gene. It is expected to result in an absent or disrupted protein product. However, the current clinical and genetic evidence is not sufficient to establish whether loss-of-function variants in NEFH cause disease.